The following is an entry in ClinVar:

ClinVar aggregate classification (germline): Conflicting classifications of pathogenicity. Review status: criteria provided, conflicting classifications (1 of 4 stars). 8 submissions from 7 submitters: Uncertain significance (4); Likely benign (2). 2 of the submissions do not count toward it. Last evaluated 2026-02-27.

Conditions:
ABCC8-related disorder.
Hereditary hyperinsulinism.
Type 2 diabetes mellitus. Also called: Type II diabetes mellitus. Identifiers: MedGen C0011860, MeSH D003924, MONDO:0005148, OMIM 125853, HP:0005978.
Diabetes mellitus, transient neonatal, 2 (TNDM2). Identifiers: Orphanet 99886, MedGen C1835887, MONDO:0012480, OMIM 610374. Disease mechanism: loss of function.
Hyperinsulinemic hypoglycemia, familial, 1 (HHF1). Also called: Persistent hyperinsulinemic hypoglycemia of infancy; HYPERINSULINISM, FAMILIAL, WITH PANCREATIC NESIDIOBLASTOSIS; HYPOGLYCEMIA, HYPERINSULINEMIC, OF INFANCY; Persistent Hyperinsulinemia Hypoglycemia of Infancy; NESIDIOBLASTOSIS OF PANCREAS. Identifiers: Orphanet 276575, Orphanet 276598, MedGen C2931832, MONDO:0009734, OMIM 256450.
Leucine-induced hypoglycemia (LIH). Also called: LEUCINE-SENSITIVE HYPOGLYCEMIA OF INFANCY. Identifiers: MedGen C0271714, MONDO:0009415, OMIM 240800.
Diabetes mellitus, permanent neonatal 3. Also called: ABCC8-Related Permanent Neonatal Diabetes Mellitus. Identifiers: MedGen C5394303, MONDO:0030088, OMIM 618857.
Transitory neonatal diabetes mellitus. Also called: Transient neonatal diabetes mellitus. Identifiers: MedGen C0342273, MONDO:0020525, HP:0008255.
Maturity-onset diabetes of the young (MODY). Also called: Maturity onset diabetes mellitus in young. Identifiers: Orphanet 552, MedGen C0342276, MONDO:0018911, HP:0004904.

Allele frequency attached by ClinVar (database versions not stated): ExAC 0.00005; gnomAD 0.00016 and 0.00015; ESP Exome Variant Server 0.00023; TOPMed 0.00020; gnomAD exomes 0.00002 and 0.00005.
gnomAD v4.1: 59 of 1,614,036 alleles (0.0037%); highest among the groups gnomAD compares: African/African-American, 0.061%; no homozygotes.

Submissions (8):

Women's Health and Genetics/Laboratory Corporation of America, LabCorp
Classification: Likely benign. Last evaluated: 2026-02-27. Review status: criteria provided, single submitter. Criteria: LabCorp Variant Classification Summary - May 2015. Collection method: clinical testing. Allele origin: germline.
Comment: Variant summary: ABCC8 c.4412-14C>T alters a nucleotide located at a position not widely known to affect splicing. Consensus agreement among computation tools predict no significant impact on normal splicing. However, these predictions have yet to be confirmed by functional studies. The variant allele was found at a frequency of 4.8e-05 in 251412 control chromosomes. This frequency is not significantly higher than estimated for disease-causing variants in ABCC8, allowing no conclusion about variant significance. To our knowledge, no occurrence of c.4412-14C>T in individuals affected with ABCC8-related conditions and no experimental evidence demonstrating its impact on protein function have been reported. ClinVar contains an entry for this variant (Variation ID: 35619). Based on the evidence outlined above, the variant was classified as likely benign.

Labcorp Genetics (formerly Invitae), Labcorp
Classification: Likely benign. Last evaluated: 2024-12-15. Review status: criteria provided, single submitter. Criteria: Invitae Variant Classification Sherloc (09022015). Collection method: clinical testing. Allele origin: germline.

Fulgent Genetics
Classification: Uncertain significance for Type 2 diabetes mellitus; Leucine-induced hypoglycemia; Hyperinsulinemic hypoglycemia, familial, 1; Diabetes mellitus, transient neonatal, 2; Diabetes mellitus, permanent neonatal 3. Last evaluated: 2022-03-06. Review status: criteria provided, single submitter. Criteria: ACMG Guidelines, 2015. Collection method: clinical testing. Allele origin: unknown.

Athena Diagnostics
Classification: Uncertain significance. Last evaluated: 2016-11-18. Review status: criteria provided, single submitter. Criteria: Athena Diagnostics Criteria. Collection method: clinical testing. Allele origin: germline.

Clinical Genomics, Uppaluri K&H Personalized Medicine Clinic
Classification: Uncertain significance for Maturity-onset diabetes of the young. Review status: criteria provided, single submitter. Criteria: K & H Uppaluri Personalized Medicine Clinic Variant Classification & Assertion Criteria_Updated V.1. Collection method: research. Allele origin: somatic. Inheritance: Somatic mutation.
Comment: Mutations in ABCC8 gene are associated with both neonatal diabetes mellitus as well as MODY. Patients with this mutation may have a better response to sulfonylureas. However, no sufficient evidence is found to ascertain the role of this particular variant ( rs193922404) in MODY yet.

Clinical Genomics, Uppaluri K&H Personalized Medicine Clinic
Classification: Uncertain significance for Transitory neonatal diabetes mellitus. Review status: criteria provided, single submitter. Criteria: K & H Uppaluri Personalized Medicine Clinic Variant Classification & Assertion Criteria_Updated V.1. Collection method: research. Allele origin: somatic. Inheritance: Somatic mutation.
Comment: Mutations in ABCC8 gene are associated with both neonatal diabetes mellitus as well as MODY. Patients with this mutation may have a better response to sulfonylureas. However, no sufficient evidence is found to ascertain the role of this particular variant ( rs193922404 ) in neonatal diabetes yet.

Natera, Inc.
Classification: Uncertain significance for Hereditary hyperinsulinism. Last evaluated: 2020-04-10. Review status: no assertion criteria provided. Collection method: clinical testing. Allele origin: germline. Not counted in ClinVar's aggregate classification.

PreventionGenetics, part of Exact Sciences
Classification: Likely benign for ABCC8-related condition. Last evaluated: 2019-07-10. Review status: no assertion criteria provided. Collection method: clinical testing. Allele origin: germline. Not counted in ClinVar's aggregate classification.
Comment: This variant is classified as likely benign based on ACMG/AMP sequence variant interpretation guidelines (Richards et al. 2015 PMID: 25741868, with internal and published modifications).

Literature cited by the submitters: PubMed 16885549 (cited by Clinical Genomics, Uppaluri K&H Personalized Medicine Clinic); PubMed 21989597 (cited by Clinical Genomics, Uppaluri K&H Personalized Medicine Clinic); PubMed 27538677 (cited by Clinical Genomics, Uppaluri K&H Personalized Medicine Clinic); PubMed 18981553 (cited by Clinical Genomics, Uppaluri K&H Personalized Medicine Clinic); PubMed 32027066 (cited by Clinical Genomics, Uppaluri K&H Personalized Medicine Clinic); PubMed 16613899 (cited by Clinical Genomics, Uppaluri K&H Personalized Medicine Clinic); PubMed 18025408 (cited by Clinical Genomics, Uppaluri K&H Personalized Medicine Clinic); PubMed 32792356 (cited by Clinical Genomics, Uppaluri K&H Personalized Medicine Clinic).

NM_000352.6(ABCC8):c.4412-14C>T

Gene: ABCC8 (ATP binding cassette subfamily C member 8; minus strand). Cytogenetic location: 11p15.1.
Variant type: single nucleotide variant.
Coding change: c.4412-14C>T on transcript NM_000352.6 (MANE Select); 14 bases into the intron before coding-DNA position 4412, C replaced by T.
Molecular consequence: intron variant.
Genome position (GRCh38, 1-based): chr11:17,394,413, G>A on the plus strand (C>T on the coding strand, the complement: ABCC8 is on the minus strand). VCF-style: chr11-17394413-G-A. GRCh37 (hg19) VCF-style: chr11-17415960-G-A.
Other names: c.4409-14C>T (NM_001351297.2); c.4412-14C>T (NM_001351296.2, NM_000352.4); c.4478-14C>T (NM_001351295.2); c.4415-14C>T (NM_001287174.3).
Identifiers: ClinVar variation 35619 (VCV000035619.12), dbSNP rs193922404, ClinGen allele CA213463.